The following is an entry in ClinVar:

NC_000011.9:g.(?_108098352)_(108196972_?)del

Gene: ATM (ATM serine/threonine kinase; plus strand). Cytogenetic location: 11q22.3.
Variant type: Deletion.
Identifiers: ClinVar variation 3244468 (VCV003244468.1).

ClinVar aggregate classification (germline): Pathogenic (1 of 4 stars; one submission).

Conditions:
Ataxia-telangiectasia syndrome (AT). Also called: LOUIS-BAR SYNDROME; Cerebello-oculocutaneous telangiectasia; Immunodeficiency with ataxia telangiectasia; AT, COMPLEMENTATION GROUP C; Ataxia-telangiectasia, complementation group D; ATAXIA-TELANGIECTASIA, COMPLEMENTATION GROUP A. Identifiers: Orphanet 100, MedGen C0004135, MONDO:0008840, OMIM 208900.

Submission:

Labcorp Genetics (formerly Invitae), Labcorp
Classification: Pathogenic for Ataxia-telangiectasia syndrome. Last evaluated: 2022-12-14. Review status: criteria provided, single submitter. Criteria: Invitae Variant Classification Sherloc (09022015). Collection method: clinical testing. Allele origin: unknown.
Comment: For these reasons, this variant has been classified as Pathogenic. This variant has not been reported in the literature in individuals affected with ATM-related conditions. This variant is a gross deletion of the genomic region encompassing exon(s) 2-47 of the ATM gene, which includes the initiator codon. This deletion extends beyond the assayed region for this gene and therefore may encompass additional genes. It is expected to result in an absent or disrupted protein product. Loss-of-function variants in ATM are known to be pathogenic (PMID: 23807571, 25614872).

Literature cited by the submitters: PubMed 23807571; PubMed 25614872.